The following is an entry in ClinVar:

NM_003579.4(RAD54L):c.199A>G (p.Ser67Gly)

Gene: RAD54L (RAD54 like; plus strand). Cytogenetic location: 1p34.1.
Variant type: single nucleotide variant.
Coding change: c.199A>G on transcript NM_003579.4 (MANE Select); coding-DNA position 199, A replaced by G.
Protein change: p.Ser67Gly; replaces serine 67 with glycine.
Molecular consequence: missense variant. On other transcripts: 5 prime UTR variant (1).
Genome position (GRCh38, 1-based): chr1:46,250,108, A>G. VCF-style: chr1-46250108-A-G. GRCh37 (hg19) VCF-style: chr1-46715780-A-G.
Other names: c.199A>G, p.Ser67Gly (NM_001142548.2); c.-342A>G (NM_001370766.1); short protein forms S67G.
Identifiers: ClinVar variation 1784121 (VCV001784121.2), dbSNP rs2525632997, ClinGen allele CA340176579.

ClinVar aggregate classification (germline): Uncertain significance (1 of 4 stars; one submission).

Submission:

Ambry Genetics
Classification: Uncertain significance. Last evaluated: 2021-08-13. Review status: criteria provided, single submitter. Criteria: Ambry Variant Classification Scheme 2023. Collection method: clinical testing. Allele origin: germline.
Comment: The p.S67G variant (also known as c.199A>G), located in coding exon 3 of the RAD54L gene, results from an A to G substitution at nucleotide position 199. The serine at codon 67 is replaced by glycine, an amino acid with similar properties. This amino acid position is conserved. In addition, this alteration is predicted to be tolerated by in silico analysis. Since supporting evidence is limited at this time, the clinical significance of this alteration remains unclear.